The following is an entry in ClinVar:

ClinVar aggregate classification (germline): Uncertain significance (1 of 4 stars; one submission).

Allele frequency attached by ClinVar (database versions not stated): ExAC 0.00002.

Submission:

Labcorp Genetics (formerly Invitae), Labcorp
Classification: Uncertain significance. Last evaluated: 2022-02-03. Review status: criteria provided, single submitter. Criteria: Invitae Variant Classification Sherloc (09022015). Collection method: clinical testing. Allele origin: germline.
Comment: In summary, the available evidence is currently insufficient to determine the role of this variant in disease. Therefore, it has been classified as a Variant of Uncertain Significance. Algorithms developed to predict the effect of missense changes on protein structure and function are either unavailable or do not agree on the potential impact of this missense change (SIFT: "Tolerated"; PolyPhen-2: "Possibly Damaging"; Align-GVGD: "Class C0"). This variant has not been reported in the literature in individuals affected with CPA1-related conditions. The frequency data for this variant in the population databases is considered unreliable, as metrics indicate poor data quality at this position in the gnomAD database. This sequence change replaces threonine, which is neutral and polar, with proline, which is neutral and non-polar, at codon 121 of the CPA1 protein (p.Thr121Pro).

NM_001868.4(CPA1):c.361A>C (p.Thr121Pro)

Gene: CPA1 (carboxypeptidase A1; plus strand). Cytogenetic location: 7q32.2.
Variant type: single nucleotide variant.
Coding change: c.361A>C on transcript NM_001868.4 (MANE Select); coding-DNA position 361, A replaced by C.
Protein change: p.Thr121Pro; replaces threonine 121 with proline.
Molecular consequence: missense variant.
Genome position (GRCh38, 1-based): chr7:130,381,843, A>C. VCF-style: chr7-130381843-A-C. GRCh37 (hg19) VCF-style: chr7-130021684-A-C.
Other names: short protein forms T121P.
Identifiers: ClinVar variation 2092653 (VCV002092653.4), dbSNP rs781953847, ClinGen allele CA4484767.
Genomic context (GRCh38, chr7:130,381,843, plus strand): 5'-CAGGAGCAGATGTTCGCCTTCCGGTCCCGGGCGCGCTCCACCGACACTTTTAACTACGCC[A>C]CCTACCACACCCTGGAGGAGGTGAGGGCGCCCCTAGCGGCCGCTCCCTGCAGCCACCAGC-3'
Protein context (NP_001859.1, residues 111-131): ARSTDTFNYA[Thr121Pro]YHTLEEIYDF